The following is an entry in ClinVar:

ClinVar aggregate classification (germline): Uncertain significance (1 of 4 stars; one submission).

gnomAD v4.1: 2 of 1,526,656 alleles (0.00013%); highest among the groups gnomAD compares: Non-Finnish European, 0.000088%; no homozygotes.

Submission:

Labcorp Genetics (formerly Invitae), Labcorp
Classification: Uncertain significance. Last evaluated: 2025-07-18. Review status: criteria provided, single submitter. Criteria: Invitae Variant Classification Sherloc (09022015). Collection method: clinical testing. Allele origin: germline.
Comment: This sequence change replaces glycine, which is neutral and non-polar, with serine, which is neutral and polar, at codon 2 of the SLC25A4 protein (p.Gly2Ser). The frequency data for this variant in the population databases is considered unreliable, as metrics indicate poor data quality at this position in the gnomAD database. This variant has not been reported in the literature in individuals affected with SLC25A4-related conditions. ClinVar contains an entry for this variant (Variation ID: 3615470). An algorithm developed to predict the effect of missense changes on protein structure and function outputs the following: PolyPhen-2: "Benign". The serine amino acid residue is found in multiple mammalian species, which suggests that this missense change does not adversely affect protein function. In summary, the available evidence is currently insufficient to determine the role of this variant in disease. Therefore, it has been classified as a Variant of Uncertain Significance.

NM_001151.4(SLC25A4):c.4G>A (p.Gly2Ser)

Gene: SLC25A4 (solute carrier family 25 member 4; plus strand). Cytogenetic location: 4q35.1.
Variant type: single nucleotide variant.
Coding change: c.4G>A on transcript NM_001151.4 (MANE Select); coding-DNA position 4, G replaced by A.
Protein change: p.Gly2Ser; replaces glycine 2 with serine.
Molecular consequence: missense variant.
Genome position (GRCh38, 1-based): chr4:185,143,376, G>A. VCF-style: chr4-185143376-G-A. GRCh37 (hg19) VCF-style: chr4-186064530-G-A.
Other names: short protein forms G2S.
Identifiers: ClinVar variation 3615470 (VCV003615470.2).